The following is an entry in ClinVar:

NM_005477.3(HCN4):c.1576C>G (p.Gln526Glu)

Gene: HCN4 (hyperpolarization activated cyclic nucleotide gated potassium channel 4; minus strand). Cytogenetic location: 15q24.1.
Variant type: single nucleotide variant.
Coding change: c.1576C>G on transcript NM_005477.3 (MANE Select); coding-DNA position 1576, C replaced by G.
Protein change: p.Gln526Glu; replaces glutamine 526 with glutamic acid.
Molecular consequence: missense variant.
Genome position (GRCh38, 1-based): chr15:73,329,587, G>C on the plus strand (C>G on the coding strand, the complement: HCN4 is on the minus strand). VCF-style: chr15-73329587-G-C. GRCh37 (hg19) VCF-style: chr15-73621928-G-C.
Other names: short protein forms Q526E.
Identifiers: ClinVar variation 943336 (VCV000943336.12), dbSNP rs1474216387, ClinGen allele CA393093388.

ClinVar aggregate classification (germline): Uncertain significance. Review status: criteria provided, multiple submitters, no conflicts (2 of 4 stars). 3 submissions from 3 submitters: Uncertain significance (3). Last evaluated 2025-03-21.

Conditions:
Cardiovascular phenotype. Identifiers: MedGen CN230736.
Brugada syndrome 8 (BRGDA8). Identifiers: Orphanet 130, MedGen C2751083, MONDO:0013148, OMIM 613123.

Allele frequency attached by ClinVar (database versions not stated): gnomAD 0.00001; gnomAD exomes 0.00001; TOPMed 0.00003.
gnomAD v4.1: 15 of 1,613,960 alleles (0.00093%); highest among the groups gnomAD compares: African/African-American, 0.004%; no homozygotes.

Submissions (3):

Labcorp Genetics (formerly Invitae), Labcorp
Classification: Uncertain significance for Brugada syndrome 8. Last evaluated: 2025-03-21. Review status: criteria provided, single submitter. Criteria: Invitae Variant Classification Sherloc (09022015). Collection method: clinical testing. Allele origin: germline.
Comment: This sequence change replaces glutamine, which is neutral and polar, with glutamic acid, which is acidic and polar, at codon 526 of the HCN4 protein (p.Gln526Glu). This variant is present in population databases (no rsID available, gnomAD 0.01%). This variant has not been reported in the literature in individuals affected with HCN4-related conditions. ClinVar contains an entry for this variant (Variation ID: 943336). Invitae Evidence Modeling of protein sequence and biophysical properties (such as structural, functional, and spatial information, amino acid conservation, physicochemical variation, residue mobility, and thermodynamic stability) has been performed for this missense variant. However, the output from this modeling did not meet the statistical confidence thresholds required to predict the impact of this variant on HCN4 protein function. In summary, the available evidence is currently insufficient to determine the role of this variant in disease. Therefore, it has been classified as a Variant of Uncertain Significance.

AiLife Diagnostics
Classification: Uncertain significance. Last evaluated: 2021-09-30. Review status: criteria provided, single submitter. Criteria: ACMG Guidelines, 2015. Collection method: clinical testing. Allele origin: germline. Affected: yes. Observed: 1 variant allele.

Ambry Genetics
Classification: Uncertain significance for Cardiovascular phenotype. Last evaluated: 2020-11-09. Review status: criteria provided, single submitter. Criteria: Ambry Variant Classification Scheme 2023. Collection method: clinical testing. Allele origin: germline.
Comment: The p.Q526E variant (also known as c.1576C>G), located in coding exon 4 of the HCN4 gene, results from a C to G substitution at nucleotide position 1576. The glutamine at codon 526 is replaced by glutamic acid, an amino acid with highly similar properties. This amino acid position is highly conserved in available vertebrate species. In addition, the in silico prediction for this alteration is inconclusive. Since supporting evidence is limited at this time, the clinical significance of this alteration remains unclear.